The following is an entry in ClinVar:

ClinVar aggregate classification (germline): Uncertain significance. Review status: criteria provided, multiple submitters, no conflicts (2 of 4 stars). 2 submissions from 2 submitters: Uncertain significance (2). Last evaluated 2024-02-24.

Conditions:
Inborn genetic diseases. Identifiers: MedGen C0950123, MeSH D030342.

Allele frequency attached by ClinVar (database versions not stated): gnomAD exomes 0.00001 and 0.00003; ExAC 0.00002; gnomAD 0.00005 and 0.00006; TOPMed 0.00006; ESP Exome Variant Server 0.00008.
gnomAD v4.1: 19 of 1,613,786 alleles (0.0012%); highest among the groups gnomAD compares: African/African-American, 0.015%; no homozygotes.

Submissions (2):

Labcorp Genetics (formerly Invitae), Labcorp
Classification: Uncertain significance. Last evaluated: 2024-02-24. Review status: criteria provided, single submitter. Criteria: Invitae Variant Classification Sherloc (09022015). Collection method: clinical testing. Allele origin: germline.
Comment: This sequence change replaces glutamic acid, which is acidic and polar, with glutamine, which is neutral and polar, at codon 130 of the MYO18B protein (p.Glu130Gln). This variant is present in population databases (rs370159021, gnomAD 0.02%). This variant has not been reported in the literature in individuals affected with MYO18B-related conditions. ClinVar contains an entry for this variant (Variation ID: 1353925). An algorithm developed to predict the effect of missense changes on protein structure and function (PolyPhen-2) suggests that this variant¬†is likely to be tolerated. In summary, the available evidence is currently insufficient to determine the role of this variant in disease. Therefore, it has been classified as a Variant of Uncertain Significance.

Ambry Genetics
Classification: Uncertain significance for Inborn genetic diseases. Last evaluated: 2022-12-02. Review status: criteria provided, single submitter. Criteria: Ambry Variant Classification Scheme 2023. Collection method: clinical testing. Allele origin: germline.

NM_032608.7(MYO18B):c.388G>C (p.Glu130Gln)

Gene: MYO18B (myosin XVIIIB; plus strand). Cytogenetic location: 22q12.1.
Variant type: single nucleotide variant.
Coding change: c.388G>C on transcript NM_032608.7 (MANE Select); coding-DNA position 388, G replaced by C.
Protein change: p.Glu130Gln; replaces glutamic acid 130 with glutamine.
Molecular consequence: missense variant.
Genome position (GRCh38, 1-based): chr22:25,768,304, G>C. VCF-style: chr22-25768304-G-C. GRCh37 (hg19) VCF-style: chr22-26164271-G-C.
Other names: c.388G>C, p.Glu130Gln (NM_001318245.2); c.388G>C (NM_032608.5); short protein forms E130Q.
Identifiers: ClinVar variation 1353925 (VCV001353925.5), dbSNP rs370159021, ClinGen allele CA10159569.